The following is an entry in ClinVar:

ClinVar aggregate classification (germline): Uncertain significance. Review status: criteria provided, multiple submitters, no conflicts (2 of 4 stars). 2 submissions from 2 submitters: Uncertain significance (2). Last evaluated 2022-08-15.

Submissions (2):

Labcorp Genetics (formerly Invitae), Labcorp
Classification: Uncertain significance. Last evaluated: 2022-08-15. Review status: criteria provided, single submitter. Criteria: Invitae Variant Classification Sherloc (09022015). Collection method: clinical testing. Allele origin: germline.
Comment: Advanced modeling of protein sequence and biophysical properties (such as structural, functional, and spatial information, amino acid conservation, physicochemical variation, residue mobility, and thermodynamic stability) performed at Invitae indicates that this missense variant is expected to disrupt COL9A3 protein function. In summary, the available evidence is currently insufficient to determine the role of this variant in disease. Therefore, it has been classified as a Variant of Uncertain Significance. This variant has not been reported in the literature in individuals affected with COL9A3-related conditions. This variant is not present in population databases (gnomAD no frequency). This sequence change replaces glycine, which is neutral and non-polar, with glutamic acid, which is acidic and polar, at codon 101 of the COL9A3 protein (p.Gly101Glu).

Blueprint Genetics
Classification: Uncertain significance. Last evaluated: 2019-09-17. Review status: criteria provided, single submitter. Criteria: ACMG Guidelines, 2015. Collection method: clinical testing. Allele origin: germline.

NM_001853.4(COL9A3):c.302G>A (p.Gly101Glu)

Gene: COL9A3 (collagen type IX alpha 3 chain; plus strand). Cytogenetic location: 20q13.33.
Variant type: single nucleotide variant.
Coding change: c.302G>A on transcript NM_001853.4 (MANE Select); coding-DNA position 302, G replaced by A.
Protein change: p.Gly101Glu; replaces glycine 101 with glutamic acid.
Molecular consequence: missense variant.
Genome position (GRCh38, 1-based): chr20:62,819,975, G>A. VCF-style: chr20-62819975-G-A. GRCh37 (hg19) VCF-style: chr20-61451327-G-A.
Other names: short protein forms G101E.
Identifiers: ClinVar variation 2068796 (VCV002068796.5), dbSNP rs1191608453, ClinGen allele CA409587813.
Genomic context (GRCh38, chr20:62,819,975, plus strand): 5'-CTGCCTCTCCCCAGGGTCTGACTGGACGAGATGGACCCCCTGGACCCAAGGGTGCCCCTG[G>A]GGAACGGGTAAGTGCCTGCGCCGAACCCAGTGGCTTGGGTTCAGAGGTGAGGTCCCCTGG-3'
Protein context (NP_001844.3, residues 91-111): DGPPGPKGAP[Gly101Glu]ERGSLGPPGP